The following is an entry in ClinVar:

ClinVar aggregate classification (germline): Pathogenic. Review status: reviewed by expert panel (3 of 4 stars). 14 submissions from 14 submitters: Pathogenic (1). 13 of the submissions do not count toward it. Last evaluated 2016-09-08.

Conditions:
BRCA2-related disorder. Also called: BRCA2-related condition; BRCA2-related disorders. Identifiers: MedGen CN239275.
Hereditary cancer-predisposing syndrome. Also called: Tumor predisposition; Neoplastic Syndromes, Hereditary; Hereditary neoplastic syndrome; Hereditary Cancer Syndrome. Identifiers: Orphanet 140162, MedGen C0027672, MeSH D009386, MONDO:0015356.
Hereditary breast ovarian cancer syndrome. Also called: Hereditary breast and ovarian cancer; BRCA1- and BRCA2-Associated Hereditary Breast and Ovarian Cancer; Hereditary breast and/or ovarian cancer syndrome; Hereditary breast and ovarian cancer syndrome; Breast and ovarian cancer; Hereditary breast and ovarian cancer syndrome (HBOC). Identifiers: Orphanet 145, MedGen C0677776, MeSH D061325, MONDO:0003582. Disease mechanism: loss of function.
Breast-ovarian cancer, familial, susceptibility to, 2 (BROVCA2). Also called: BRCA2 Hereditary Breast and Ovarian Cancer. Identifiers: Orphanet 145, MedGen C2675520, MONDO:0012933, OMIM 612555. Disease mechanism: loss of function.

Submissions (14):

Evidence-based Network for the Interpretation of Germline Mutant Alleles (ENIGMA)
Classification: Pathogenic for Breast-ovarian cancer, familial, susceptibility to, 2. Last evaluated: 2016-09-08. Review status: reviewed by expert panel. Criteria: ENIGMA BRCA1/2 Classification Criteria (2015). Collection method: curation. Allele origin: germline.
Comment: Variant allele predicted to encode a truncated non-functional protein.

Center for Genomic Medicine, Rigshospitalet, Copenhagen University Hospital
Classification: Pathogenic. Last evaluated: 2025-12-29. Review status: criteria provided, single submitter. Criteria: ACMG Guidelines, 2015. Collection method: clinical testing. Allele origin: germline. Not counted in ClinVar's aggregate classification.

GeneKor MSA
Classification: Pathogenic for Hereditary breast ovarian cancer syndrome. Last evaluated: 2025-06-25. Review status: criteria provided, single submitter. Criteria: ACMG Guidelines, 2015. Collection method: clinical testing. Allele origin: germline. Affected: yes. Not counted in ClinVar's aggregate classification.
Comment: This is a single base substitution, replacing Glutamic acid with a premature translational stop signal at codon 13 p.(Glu13*). It is expected to result in an absent or disrupted protein product. Truncating variants in BRCA2 are known to be pathogenic (PMID:20104584). This variant is not present in population databases (rs80358622). This alteration has been described in the international literature in individuals affected with breast and ovarian cancer (PMID:29310832, 29446198). The mutation database ClinVar contains entries for this variant (VCV000051527.18). Based on the classification criteria set by the ACMG and AMP (PMID:25741868) this variant has been classified as pathogenic.

Quest Diagnostics Nichols Institute San Juan Capistrano
Classification: Pathogenic. Last evaluated: 2025-05-07. Review status: criteria provided, single submitter. Criteria: Quest Diagnostics criteria. Collection method: clinical testing. Allele origin: unknown. Not counted in ClinVar's aggregate classification.
Comment: The BRCA2 c.37G>T (p.Glu13*) variant causes the premature termination of BRCA2 protein synthesis. This variant has been reported in the published literature in individuals with a personal and/or family history of breast and/or ovarian cancer (PMID: 32939053 (2020)) as well as in BRCA2 variant carriers of unknown phenotype (PMID: 29446198 (2020), 29310832 (2018)). This variant has not been reported in large, multi-ethnic general populations (Genome Aggregation Database). Based on the available information, this variant is classified as pathogenic.

Department of Clinical Genetics, Copenhagen University Hospital, Rigshospitalet
Classification: Pathogenic for Breast-ovarian cancer, familial, susceptibility to, 2. Last evaluated: 2024-05-27. Review status: criteria provided, single submitter. Criteria: ACMG Guidelines, 2015. Collection method: clinical testing. Allele origin: germline. Affected: yes. Not counted in ClinVar's aggregate classification.
Comment: PVS1; PM2_supporting; PM5_PTC_Strong

Labcorp Genetics (formerly Invitae), Labcorp
Classification: Pathogenic for Hereditary breast ovarian cancer syndrome. Last evaluated: 2023-11-24. Review status: criteria provided, single submitter. Criteria: Invitae Variant Classification Sherloc (09022015). Collection method: clinical testing. Allele origin: germline. Not counted in ClinVar's aggregate classification.
Comment: This sequence change creates a premature translational stop signal (p.Glu13*) in the BRCA2 gene. It is expected to result in an absent or disrupted protein product. Loss-of-function variants in BRCA2 are known to be pathogenic (PMID: 20104584). This variant is not present in population databases (gnomAD no frequency). This premature translational stop signal has been observed in individual(s) with breast and ovarian cancer (PMID: 29310832, 29446198). ClinVar contains an entry for this variant (Variation ID: 51527). For these reasons, this variant has been classified as Pathogenic.

Women's Health and Genetics/Laboratory Corporation of America, LabCorp
Classification: Pathogenic for Hereditary breast ovarian cancer syndrome. Last evaluated: 2023-09-18. Review status: criteria provided, single submitter. Criteria: LabCorp Variant Classification Summary - May 2015. Collection method: clinical testing. Allele origin: germline. Not counted in ClinVar's aggregate classification.
Comment: Variant summary: BRCA2 c.37G>T (p.Glu13X) results in a premature termination codon, predicted to cause a truncation of the encoded protein or absence of the protein due to nonsense mediated decay, which are commonly known mechanisms for disease. The variant was absent in 251372 control chromosomes (gnomAD). c.37G>T has been reported in the literature in multiple individuals affected with Breast and/or Ovarian Cancer (e.g. Apessos_2018, Olafsdottir_2020). These data indicate that the variant is very likely to be associated with disease. To our knowledge, no experimental evidence demonstrating an impact on protein function has been reported. The following publications have been ascertained in the context of this evaluation (PMID: 29310832, 33020491, 32939053). Five ClinVar submitters have assessed the variant since 2014, and all five classified the variant as pathogenic. Based on the evidence outlined above, the variant was classified as pathogenic.

Centre for Clinical Genetics and Genomic Diagnostics, Zealand University Hospital
Classification: Pathogenic. Last evaluated: 2023-08-24. Review status: criteria provided, single submitter. Criteria: ACMG Guidelines, 2015. Collection method: clinical testing. Allele origin: germline. Affected: no. Not counted in ClinVar's aggregate classification.

Blueprint Genetics
Classification: Likely pathogenic for BRCA2-related disorders. Last evaluated: 2023-06-26. Review status: criteria provided, single submitter. Criteria: ACMG Guidelines, 2015. Collection method: clinical testing. Allele origin: germline. Affected: yes. Observed: 1 variant allele. Not counted in ClinVar's aggregate classification.

Ambry Genetics
Classification: Pathogenic for Hereditary cancer-predisposing syndrome. Last evaluated: 2021-10-01. Review status: criteria provided, single submitter. Criteria: Ambry Variant Classification Scheme 2023. Collection method: clinical testing. Allele origin: germline. Not counted in ClinVar's aggregate classification.
Comment: The p.E13* pathogenic mutation (also known as c.37G>T), located in coding exon 1 of the BRCA2 gene, results from a G to T substitution at nucleotide position 37. This changes the amino acid from a glutamic acid to a stop codon within coding exon 1. This alteration has been observed in at least one individual with a personal and/or family history of breast and ovarian cancer (Ambry internal data). This alteration is expected to result in loss of function by premature protein truncation or nonsense-mediated mRNA decay. As such, this alteration is interpreted as a disease-causing mutation.

Consortium of Investigators of Modifiers of BRCA1/2 (CIMBA), c/o University of Cambridge
Classification: Pathogenic for Breast-ovarian cancer, familial, susceptibility to, 2. Last evaluated: 2015-10-02. Review status: criteria provided, single submitter. Criteria: CIMBA Mutation Classification guidelines May 2016. Collection method: clinical testing. Allele origin: germline. Not counted in ClinVar's aggregate classification.

Institute of Genomics, University of Tartu
Classification: Pathogenic for Breast-ovarian cancer, familial, susceptibility to, 2. Review status: criteria provided, single submitter. Criteria: ACMG Guidelines, 2015. Collection method: research. Allele origin: germline. Observed: 1 variant allele. Not counted in ClinVar's aggregate classification.

BRCAlab, Lund University
Classification: Pathogenic for Breast-ovarian cancer, familial, susceptibility to, 2. Last evaluated: 2020-03-02. Review status: no assertion criteria provided. Collection method: clinical testing. Allele origin: germline. Affected: yes. Not counted in ClinVar's aggregate classification.

Breast Cancer Information Core (BIC) (BRCA2)
Classification: Pathogenic for Breast-ovarian cancer, familial 2. Review status: no assertion criteria provided. Collection method: clinical testing. Allele origin: germline. Affected: yes. Observed: 1 variant allele. Not counted in ClinVar's aggregate classification.

Literature cited by the submitters: PubMed 20104584 (cited by GeneKor MSA and Labcorp Genetics (formerly Invitae), Labcorp); PubMed 29310832 (cited by 4 submitters); PubMed 29446198 (cited by 3 submitters); PubMed 32939053 (cited by Quest Diagnostics Nichols Institute San Juan Capistrano and Women's Health and Genetics/Laboratory Corporation of America, LabCorp); PubMed 33020491 (cited by Women's Health and Genetics/Laboratory Corporation of America, LabCorp).

NM_000059.4(BRCA2):c.37G>T (p.Glu13Ter)

Gene: BRCA2 (BRCA2 DNA repair associated; plus strand). Cytogenetic location: 13q13.1.
Variant type: single nucleotide variant.
Coding change: c.37G>T on transcript NM_000059.4 (MANE Select); coding-DNA position 37, G replaced by T.
Protein change: p.Glu13Ter; replaces glutamic acid 13 with a stop codon.
Molecular consequence: nonsense.
Genome position (GRCh38, 1-based): chr13:32,316,497, G>T. VCF-style: chr13-32316497-G-T. GRCh37 (hg19) VCF-style: chr13-32890634-G-T.
Other names: short protein forms E13*.
Identifiers: ClinVar variation 51527 (VCV000051527.23), dbSNP rs80358622, ClinGen allele CA018834.